The following is an entry in ClinVar:

ClinVar aggregate classification (germline): Uncertain significance (1 of 4 stars; one submission).

Conditions:
LAMA2-related muscular dystrophy (LAMA2-RD). Also called: Laminin alpha 2-related dystrophy. Identifiers: MedGen C5679788, MONDO:0100228.

Allele frequency attached by ClinVar (database versions not stated): gnomAD exomes below 0.00001; TOPMed below 0.00001; ExAC 0.00001.
gnomAD v4.1: 6 of 1,614,012 alleles (0.00037%); highest among the groups gnomAD compares: Middle Eastern, 0.017%; no homozygotes.

Submission:

Labcorp Genetics (formerly Invitae), Labcorp
Classification: Uncertain significance for LAMA2-related muscular dystrophy. Last evaluated: 2022-05-15. Review status: criteria provided, single submitter. Criteria: Invitae Variant Classification Sherloc (09022015). Collection method: clinical testing. Allele origin: germline.
Comment: This sequence change replaces methionine, which is neutral and non-polar, with valine, which is neutral and non-polar, at codon 2606 of the LAMA2 protein (p.Met2606Val). This variant is present in population databases (rs759492212, gnomAD 0.0009%). This variant has not been reported in the literature in individuals affected with LAMA2-related conditions. Advanced modeling of protein sequence and biophysical properties (such as structural, functional, and spatial information, amino acid conservation, physicochemical variation, residue mobility, and thermodynamic stability) performed at Invitae indicates that this missense variant is not expected to disrupt LAMA2 protein function. Algorithms developed to predict the effect of sequence changes on RNA splicing suggest that this variant may create or strengthen a splice site. In summary, the available evidence is currently insufficient to determine the role of this variant in disease. Therefore, it has been classified as a Variant of Uncertain Significance.

NM_000426.4(LAMA2):c.7816A>G (p.Met2606Val)

Gene: LAMA2 (laminin subunit alpha 2; plus strand). Cytogenetic location: 6q22.33.
Variant type: single nucleotide variant.
Coding change: c.7816A>G on transcript NM_000426.4 (MANE Select); coding-DNA position 7816, A replaced by G.
Protein change: p.Met2606Val; replaces methionine 2606 with valine.
Molecular consequence: missense variant.
Genome position (GRCh38, 1-based): chr6:129,486,540, A>G. VCF-style: chr6-129486540-A-G. GRCh37 (hg19) VCF-style: chr6-129807685-A-G.
Other names: c.7804A>G, p.Met2602Val (NM_001079823.2); short protein forms M2606V, M2602V.
Identifiers: ClinVar variation 2201841 (VCV002201841.1), dbSNP rs759492212, ClinGen allele CA3994670.